The following is an entry in ClinVar:

ClinVar aggregate classification (germline): Uncertain significance. Review status: criteria provided, multiple submitters, no conflicts (2 of 4 stars). 2 submissions from 2 submitters: Uncertain significance (2). Last evaluated 2022-07-05.

Conditions:
Developmental and epileptic encephalopathy, 37 (DEE37). Also called: Epileptic encephalopathy, early infantile, 37. Identifiers: MedGen C4310770, MONDO:0014859, OMIM 616981.

gnomAD v4.1: 2 of 1,164,016 alleles (0.00017%); highest among the groups gnomAD compares: South Asian, 0.007%; no homozygotes.

Submissions (2):

Labcorp Genetics (formerly Invitae), Labcorp
Classification: Uncertain significance for Developmental and epileptic encephalopathy, 37. Last evaluated: 2022-07-05. Review status: criteria provided, single submitter. Criteria: Invitae Variant Classification Sherloc (09022015). Collection method: clinical testing. Allele origin: germline.
Comment: In summary, the available evidence is currently insufficient to determine the role of this variant in disease. Therefore, it has been classified as a Variant of Uncertain Significance. Algorithms developed to predict the effect of missense changes on protein structure and function are either unavailable or do not agree on the potential impact of this missense change (SIFT: "Deleterious"; PolyPhen-2: "Possibly Damaging"; Align-GVGD: "Class C0"). ClinVar contains an entry for this variant (Variation ID: 1041528). This variant has not been reported in the literature in individuals affected with FRRS1L-related conditions. The frequency data for this variant in the population databases is considered unreliable, as metrics indicate insufficient coverage at this position in the gnomAD database. This sequence change replaces arginine, which is basic and polar, with tryptophan, which is neutral and slightly polar, at codon 57 of the FRRS1L protein (p.Arg57Trp).

GeneDx
Classification: Uncertain significance. Last evaluated: 2019-11-04. Review status: criteria provided, single submitter. Criteria: GeneDx Variant Classification Process June 2021. Collection method: clinical testing. Allele origin: germline. Affected: yes.
Comment: Not observed in large population cohorts (Lek et al., 2016); In silico analysis, which includes protein predictors and evolutionary conservation, supports that this variant does not alter protein structure/function

NM_014334.4(FRRS1L):c.16C>T (p.Arg6Trp)

Gene: FRRS1L (ferric chelate reductase 1 like; minus strand). Cytogenetic location: 9q31.3.
Variant type: single nucleotide variant.
Coding change: c.16C>T on transcript NM_014334.4 (MANE Select); coding-DNA position 16, C replaced by T.
Protein change: p.Arg6Trp; replaces arginine 6 with tryptophan.
Molecular consequence: missense variant.
Genome position (GRCh38, 1-based): chr9:109,167,123, G>A on the plus strand (C>T on the coding strand, the complement: FRRS1L is on the minus strand). VCF-style: chr9-109167123-G-A. GRCh37 (hg19) VCF-style: chr9-111929403-G-A.
Other names: short protein forms R6W.
Identifiers: ClinVar variation 1041528 (VCV001041528.10), dbSNP rs1232685321, ClinGen allele CA374430671.
Genomic context (GRCh38, chr9:109,167,123, plus strand): 5'-AGGCGGCGGGCCCCGTCAGTAGCAGCAGGAGCAGCGACGCCCAGACCCCCGGGTGCTGCC[G>A]GGGCGGCCGCGCCATCCGTGCGCACAGATCCCGCAGCCAGGCCGCTCGGGCCGCAGCGGG-3'
Protein context (NP_055149.3, residues 1-16): MARPP[Arg6Trp]QHPGVWASLL